The following is an entry in ClinVar:

ClinVar aggregate classification (germline): Uncertain significance (1 of 4 stars; one submission).

Submission:

Labcorp Genetics (formerly Invitae), Labcorp
Classification: Uncertain significance. Last evaluated: 2021-08-31. Review status: criteria provided, single submitter. Criteria: Invitae Variant Classification Sherloc (09022015). Collection method: clinical testing. Allele origin: germline.
Comment: This sequence change falls in intron 1 of the RINT1 gene. It does not directly change the encoded amino acid sequence of the RINT1 protein. It affects a nucleotide within the consensus splice site of the intron. This variant is not present in population databases (ExAC no frequency). This variant has not been reported in the literature in individuals affected with RINT1-related conditions. Variants that disrupt the consensus splice site are a relatively common cause of aberrant splicing (PMID: 17576681, 9536098). Algorithms developed to predict the effect of sequence changes on RNA splicing suggest that this variant is not likely to affect RNA splicing. In summary, the available evidence is currently insufficient to determine the role of this variant in disease. Therefore, it has been classified as a Variant of Uncertain Significance.

Literature cited by the submitters: PubMed 17576681; PubMed 9536098.

NM_021930.6(RINT1):c.43-3T>C

Gene: RINT1 (RAD50 interactor 1; plus strand). Cytogenetic location: 7q22.3.
Variant type: single nucleotide variant.
Coding change: c.43-3T>C on transcript NM_021930.6 (MANE Select); 3 bases into the intron before coding-DNA position 43, T replaced by C.
Molecular consequence: intron variant.
Genome position (GRCh38, 1-based): chr7:105,532,821, T>C. VCF-style: chr7-105532821-T-C. GRCh37 (hg19) VCF-style: chr7-105173268-T-C.
Other names: c.-977-3T>C (NM_001346600.2); c.-880-3T>C (NM_001346601.2); c.-500-3T>C (NM_001346603.2); c.-55-3T>C (NM_001346599.2).
Identifiers: ClinVar variation 1037344 (VCV001037344.6), dbSNP rs1790087248, ClinGen allele CA1731737359.
Genomic context (GRCh38, chr7:105,532,821, plus strand): 5'-CCCGTATGCTTTCCATCCACGACTTTAATCTTAATGTGCTTGTCACATCTGTTCTTCTTC[T>C]AGTGCTGCTCTGAAAGTGGTGACGAAAGGAAGAACCTCGAGGAGAAAAGTAAGCCAGCTC-3'